The following is an entry in ClinVar:

NM_001365088.1(SLC12A6):c.543+8C>G

Gene: SLC12A6 (solute carrier family 12 member 6; minus strand). Cytogenetic location: 15q14.
Variant type: single nucleotide variant.
Coding change: c.543+8C>G on transcript NM_001365088.1 (MANE Select); 8 bases into the intron after coding-DNA position 543, C replaced by G.
Molecular consequence: intron variant.
Genome position (GRCh38, 1-based): chr15:34,258,805, G>C on the plus strand (C>G on the coding strand, the complement: SLC12A6 is on the minus strand). VCF-style: chr15-34258805-G-C. GRCh37 (hg19) VCF-style: chr15-34551006-G-C.
Other names: c.366+8C>G (NM_001042495.2, NM_001042494.2); c.516+8C>G (NM_001042496.2); c.498+8C>G (NM_001042497.2); c.543+8C>G (NM_133647.2); c.390+8C>G (NM_005135.2).
Identifiers: ClinVar variation 387888 (VCV000387888.9), dbSNP rs372959539, ClinGen allele CA7464550.

ClinVar aggregate classification (germline): Likely benign. Review status: criteria provided, multiple submitters, no conflicts (2 of 4 stars). 2 submissions from 2 submitters: Likely benign (2). Last evaluated 2025-06-13.

Allele frequency attached by ClinVar (database versions not stated): gnomAD exomes 0.00002 and 0.00005; ExAC 0.00007; ESP Exome Variant Server 0.00008; TOPMed 0.00009; gnomAD 0.00013 and 0.00015.
gnomAD v4.1: 44 of 1,610,552 alleles (0.0027%); highest among the groups gnomAD compares: African/African-American, 0.048%; no homozygotes.

Submissions (2):

Labcorp Genetics (formerly Invitae), Labcorp
Classification: Likely benign. Last evaluated: 2025-06-13. Review status: criteria provided, single submitter. Criteria: Invitae Variant Classification Sherloc (09022015). Collection method: clinical testing. Allele origin: germline.

GeneDx
Classification: Likely benign. Last evaluated: 2016-07-29. Review status: criteria provided, single submitter. Criteria: GeneDx Variant Classification (06012015). Collection method: clinical testing. Allele origin: germline. Affected: yes.
Comment: This variant is considered likely benign or benign based on one or more of the following criteria: it is a conservative change, it occurs at a poorly conserved position in the protein, it is predicted to be benign by multiple in silico algorithms, and/or has population frequency not consistent with disease.